The following is an entry in ClinVar:

ClinVar aggregate classification (germline): Uncertain significance (1 of 4 stars; one submission).

Conditions:
Larsen-like syndrome, B3GAT3 type. Also called: Multiple joint dislocations, short stature, craniofacial dysmorphism, with or without congenital heart defects; MULTIPLE JOINT DISLOCATIONS, SHORT STATURE, AND CRANIOFACIAL DYSMORPHISM WITH OR WITHOUT CONGENITAL HEART DEFECTS. Identifiers: Orphanet 284139, MedGen CN034159, MONDO:0009511, OMIM 245600.

Submission:

Labcorp Genetics (formerly Invitae), Labcorp
Classification: Uncertain significance for Larsen-like syndrome, B3GAT3 type. Last evaluated: 2021-07-31. Review status: criteria provided, single submitter. Criteria: Invitae Variant Classification Sherloc (09022015). Collection method: clinical testing. Allele origin: germline.
Comment: In summary, the available evidence is currently insufficient to determine the role of this variant in disease. Therefore, it has been classified as a Variant of Uncertain Significance. Algorithms developed to predict the effect of missense changes on protein structure and function (SIFT, PolyPhen-2, Align-GVGD) all suggest that this variant is likely to be tolerated. This variant has not been reported in the literature in individuals affected with B3GAT3-related conditions. This variant is not present in population databases (ExAC no frequency). This sequence change replaces glutamine with leucine at codon 323 of the B3GAT3 protein (p.Gln323Leu). The glutamine residue is moderately conserved and there is a moderate physicochemical difference between glutamine and leucine.

NM_012200.4(B3GAT3):c.968A>T (p.Gln323Leu)

Gene: B3GAT3 (beta-1,3-glucuronyltransferase 3; minus strand). Cytogenetic location: 11q12.3.
Variant type: single nucleotide variant.
Coding change: c.968A>T on transcript NM_012200.4 (MANE Select); coding-DNA position 968, A replaced by T.
Protein change: p.Gln323Leu; replaces glutamine 323 with leucine.
Molecular consequence: missense variant. On other transcripts: 3 prime UTR variant (2), non-coding transcript variant (1).
Genome position (GRCh38, 1-based): chr11:62,615,741, T>A on the plus strand (A>T on the coding strand, the complement: B3GAT3 is on the minus strand). VCF-style: chr11-62615741-T-A. GRCh37 (hg19) VCF-style: chr11-62383213-T-A.
Other names: c.947A>T, p.Gln316Leu (NM_001288721.2); c.*445A>T (NM_001288722.2); c.*461A>T (NM_001288723.2); short protein forms Q323L, Q316L.
Identifiers: ClinVar variation 1377144 (VCV001377144.8), dbSNP rs2134426342, ClinGen allele CA380974006.